The following is an entry in ClinVar:

NM_001987.5(ETV6):c.691G>A (p.Glu231Lys)

Gene: ETV6 (ETS variant transcription factor 6; plus strand). Cytogenetic location: 12p13.2.
Variant type: single nucleotide variant.
Coding change: c.691G>A on transcript NM_001987.5 (MANE Select); coding-DNA position 691, G replaced by A.
Protein change: p.Glu231Lys; replaces glutamic acid 231 with lysine.
Molecular consequence: missense variant.
Genome position (GRCh38, 1-based): chr12:11,869,651, G>A. VCF-style: chr12-11869651-G-A. GRCh37 (hg19) VCF-style: chr12-12022585-G-A.
Other names: c.688G>A, p.Glu230Lys (NM_001413913.1); c.664G>A, p.Glu222Lys (NM_001413914.1); c.427G>A, p.Glu143Lys (NM_001413915.1); c.691G>A, p.Glu231Lys (NM_001413916.1, NM_001413917.1); short protein forms E222K, E230K, E231K, E143K.
Identifiers: ClinVar variation 5036209 (VCV005036209.1).

ClinVar aggregate classification (germline): Uncertain significance (1 of 4 stars; one submission).

Conditions:
Inborn genetic diseases. Identifiers: MedGen C0950123, MeSH D030342.

Submission:

Ambry Genetics
Classification: Uncertain significance for Inborn genetic diseases. Last evaluated: 2026-07-29. Review status: criteria provided, single submitter. Criteria: Ambry Variant Classification Scheme 2023. Collection method: clinical testing. Allele origin: germline.
Comment: The p.E231K variant (also known as c.691G>A), located in coding exon 5 of the ETV6 gene, results from a G to A substitution at nucleotide position 691. The glutamic acid at codon 231 is replaced by lysine, an amino acid with similar properties. This amino acid position is conserved. In addition, this alteration is predicted to be tolerated by in silico analysis. Based on the available evidence, the clinical significance of this variant remains unclear.